The following is an entry in ClinVar:

NM_002880.4(RAF1):c.377T>C (p.Leu126Pro)

Gene: RAF1 (Raf-1 proto-oncogene, serine/threonine kinase; minus strand). Cytogenetic location: 3p25.2.
Variant type: single nucleotide variant.
Coding change: c.377T>C on transcript NM_002880.4 (MANE Select); coding-DNA position 377, T replaced by C.
Protein change: p.Leu126Pro; replaces leucine 126 with proline.
Molecular consequence: missense variant. On other transcripts: non-coding transcript variant (3).
Genome position (GRCh38, 1-based): chr3:12,609,279, A>G on the plus strand (T>C on the coding strand, the complement: RAF1 is on the minus strand). VCF-style: chr3-12609279-A-G. GRCh37 (hg19) VCF-style: chr3-12650778-A-G.
Other names: c.377T>C, p.Leu126Pro (NM_001354689.3, NM_001354690.3, NM_001354693.3); c.134T>C, p.Leu45Pro (NM_001354691.3, NM_001354692.3, NM_001354694.3 and 1 more transcripts); short protein forms L45P, L126P.
Identifiers: ClinVar variation 2089781 (VCV002089781.6), dbSNP rs2125420304, ClinGen allele CA351518413.

ClinVar aggregate classification (germline): Uncertain significance. Review status: criteria provided, multiple submitters, no conflicts (2 of 4 stars). 2 submissions from 2 submitters: Uncertain significance (2). Last evaluated 2025-02-12.

Conditions:
Cardiovascular phenotype. Identifiers: MedGen CN230736.
RASopathy. Also called: rasopathies; Noonan spectrum disorder. Identifiers: Orphanet 536391, MedGen C5555857, MONDO:0021060.

Submissions (2):

Labcorp Genetics (formerly Invitae), Labcorp
Classification: Uncertain significance for RASopathy. Last evaluated: 2025-02-12. Review status: criteria provided, single submitter. Criteria: Invitae Variant Classification Sherloc (09022015). Collection method: clinical testing. Allele origin: germline.
Comment: This sequence change replaces leucine, which is neutral and non-polar, with proline, which is neutral and non-polar, at codon 126 of the RAF1 protein (p.Leu126Pro). This variant is not present in population databases (gnomAD no frequency). This variant has not been reported in the literature in individuals affected with RAF1-related conditions. ClinVar contains an entry for this variant (Variation ID: 2089781). Invitae Evidence Modeling incorporating data from in vitro experimental studies (internal data) indicates that this missense variant is not expected to disrupt RAF1 function with a negative predictive value of 95%. In summary, the available evidence is currently insufficient to determine the role of this variant in disease. Therefore, it has been classified as a Variant of Uncertain Significance.

Ambry Genetics
Classification: Uncertain significance for Cardiovascular phenotype. Last evaluated: 2023-03-20. Review status: criteria provided, single submitter. Criteria: Ambry Variant Classification Scheme 2023. Collection method: clinical testing. Allele origin: germline.
Comment: The p.L126P variant (also known as c.377T>C), located in coding exon 3 of the RAF1 gene, results from a T to C substitution at nucleotide position 377. The leucine at codon 126 is replaced by proline, an amino acid with similar properties. This amino acid position is conserved. In addition, this alteration is predicted to be deleterious by in silico analysis. Since supporting evidence is limited at this time, the clinical significance of this alteration remains unclear.